The following is an entry in ClinVar:

NM_001195263.2(PDZD7):c.1929G>A (p.Arg643=)

Gene: PDZD7 (PDZ domain containing 7; minus strand). Cytogenetic location: 10q24.31.
Variant type: single nucleotide variant.
Coding change: c.1929G>A on transcript NM_001195263.2 (MANE Select); coding-DNA position 1929, G replaced by A.
Protein change: p.Arg643=; no amino-acid change (arginine 643 retained).
Molecular consequence: synonymous variant.
Genome position (GRCh38, 1-based): chr10:101,011,929, C>T on the plus strand (G>A on the coding strand, the complement: PDZD7 is on the minus strand). VCF-style: chr10-101011929-C-T. GRCh37 (hg19) VCF-style: chr10-102771686-C-T.
Identifiers: ClinVar variation 1595754 (VCV001595754.11), dbSNP rs560900265, ClinGen allele CA5654022.

ClinVar aggregate classification (germline): Likely benign. Review status: criteria provided, multiple submitters, no conflicts (2 of 4 stars). 3 submissions from 3 submitters: Likely benign (3). Last evaluated 2026-06-01.

Allele frequency attached by ClinVar (database versions not stated): gnomAD exomes 0.00004; ExAC 0.00007; gnomAD 0.00035 and 0.00037; TOPMed 0.00036; 1000 Genomes Project 0.00060; 1000 Genomes Project 30x 0.00062.
gnomAD v4.1: 90 of 1,550,236 alleles (0.0058%); highest among the groups gnomAD compares: African/African-American, 0.1%; 1 homozygote.

Submissions (3):

CeGaT Center for Human Genetics Tuebingen
Classification: Likely benign. Last evaluated: 2026-06-01. Review status: criteria provided, single submitter. Criteria: CeGaT Center For Human Genetics Tuebingen Variant Classification Criteria Version 2. Collection method: clinical testing. Allele origin: germline. Affected: yes. Observed: 1 variant allele.
Comment: PDZD7: BP4, BP7

Labcorp Genetics (formerly Invitae), Labcorp
Classification: Likely benign. Last evaluated: 2025-12-11. Review status: criteria provided, single submitter. Criteria: Invitae Variant Classification Sherloc (09022015). Collection method: clinical testing. Allele origin: germline.

Blueprint Genetics
Classification: Likely benign. Last evaluated: 2024-08-06. Review status: criteria provided, single submitter. Criteria: ACMG Guidelines, 2015. Collection method: clinical testing. Allele origin: germline.